The following is an entry in ClinVar:

ClinVar aggregate classification (germline): Pathogenic/Likely pathogenic. Review status: criteria provided, multiple submitters, no conflicts (2 of 4 stars). 3 submissions from 3 submitters: Pathogenic (1); Likely pathogenic (2). Last evaluated 2024-05-19.

Conditions:
Joubert syndrome 28 (JBTS28). Identifiers: MedGen C4310705, MONDO:0014928, OMIM 617121.
Meckel syndrome, type 1 (MKS1). Also called: MECKEL-GRUBER SYNDROME, TYPE 1. Identifiers: Orphanet 564, MedGen C3714506, MONDO:0009571, OMIM 249000.
Bardet-Biedl syndrome 13 (BBS13). Identifiers: Orphanet 110, MedGen C2673873, MONDO:0014441, OMIM 615990.
Joubert syndrome. Also called: Familial aplasia of the vermis; JOUBERT-BOLTSHAUSER SYNDROME. Identifiers: Orphanet 475, MedGen C5979921, MONDO:0018772.
Meckel-Gruber syndrome. Also called: Dysencephalia splachnocystica; DYSENCEPHALIA SPLANCHNOCYSTICA; GRUBER SYNDROME. Identifiers: Orphanet 564, MedGen C0265215, MONDO:0018921.
Ciliopathy. Also called: Ciliopathies. Identifiers: Orphanet 363250, MedGen C4277690, MONDO:0005308, MeSH D000072661.

Submissions (3):

Fulgent Genetics
Classification: Likely pathogenic for Meckel syndrome, type 1; Bardet-Biedl syndrome 13; Joubert syndrome 28. Last evaluated: 2024-05-19. Review status: criteria provided, single submitter. Criteria: ACMG Guidelines, 2015. Collection method: clinical testing. Allele origin: germline.

Labcorp Genetics (formerly Invitae), Labcorp
Classification: Pathogenic for Joubert syndrome; Meckel-Gruber syndrome. Last evaluated: 2023-11-10. Review status: criteria provided, single submitter. Criteria: Invitae Variant Classification Sherloc (09022015). Collection method: clinical testing. Allele origin: germline.
Comment: This sequence change creates a premature translational stop signal (p.Cys358Alafs*72) in the MKS1 gene. It is expected to result in an absent or disrupted protein product. Loss-of-function variants in MKS1 are known to be pathogenic (PMID: 19466712, 24886560, 26490104). This variant is present in population databases (rs762377424, gnomAD 0.0009%). This variant has not been reported in the literature in individuals affected with MKS1-related conditions. ClinVar contains an entry for this variant (Variation ID: 1387955). For these reasons, this variant has been classified as Pathogenic.

Myriad Genetics, Inc.
Classification: Likely pathogenic for Ciliopathy. Last evaluated: 2022-05-01. Review status: criteria provided, single submitter. Criteria: Myriad Autosomal Dominant, Autosomal Recessive and X-Linked Classification Criteria (2023). Collection method: clinical testing. Allele origin: unknown.
Comment: NM_017777.3(MKS1):c.1071delC(C358Afs*72) is expected to be pathogenic in the context of MKS1-related disorders. This variant is predicted to lead to an abnormal or absent protein product due to the creation of a premature termination codon in MKS1, a gene where loss-of-function variants are known to be pathogenic. Please note: this variant was assessed in the context of healthy population screening.

Literature cited by the submitters: PubMed 19466712 (cited by Labcorp Genetics (formerly Invitae), Labcorp); PubMed 24886560 (cited by Labcorp Genetics (formerly Invitae), Labcorp); PubMed 26490104 (cited by Labcorp Genetics (formerly Invitae), Labcorp).

NM_017777.4(MKS1):c.1071del (p.Cys358fs)

Gene: MKS1 (MKS transition zone complex subunit 1; minus strand). Cytogenetic location: 17q22.
Variant type: Deletion.
Coding change: c.1071del on transcript NM_017777.4 (MANE Select); coding-DNA position 1071, one base deleted (C; older notation c.1071delC).
Protein change: p.Cys358fs; shifts the reading frame from cysteine 358.
Molecular consequence: frameshift variant.
Genome position (GRCh38, 1-based): chr17:58,208,537, G deleted on the plus strand (C on the coding strand, the reverse complement: MKS1 is on the minus strand); the first of 2 consecutive G bases (chr17:58,208,537-58,208,538); deleting either gives the same sequence. VCF-style (leftmost placement, unchanged base first): chr17-58208536-AG-A. GRCh37 (hg19) VCF-style: chr17-56285897-AG-A.
Other names: c.462del, p.Cys155fs (NM_001321268.2); c.1071del, p.Cys358fs (NM_001321269.2, NM_001330397.2); short protein forms C155fs, C358fs.
Identifiers: ClinVar variation 1387955 (VCV001387955.10), dbSNP rs762377424, ClinGen allele CA8669294.
Genomic context (GRCh38, chr17:58,208,536, plus strand): 5'-TCATTCCCTTCCAGATACCCGCTCTCATTCTCCATACCATTGCCAGGGACTTGGTGGTGC[AG>A]GTCTGTGTTACTCCTGAGAGCTGCTGGAATGCTGGGCTTGACCAGTCTGAAAGCCAAAGA-3'